The following is an entry in ClinVar:

NM_005534.4(IFNGR2):c.879+19del

Genes: IFNGR2 (interferon gamma receptor 2; plus strand), TMEM50B (transmembrane protein 50B; minus strand). Cytogenetic location: 21q22.11.
Variant type: Deletion.
Coding change: c.879+19del on transcript NM_005534.4 (MANE Select); 19 bases into the intron after coding-DNA position 879, one base deleted (C; older notation c.879+19delC).
Molecular consequence: intron variant.
Genome position (GRCh38, 1-based): chr21:33,432,890, C deleted. VCF-style (leftmost placement, unchanged base first): chr21-33432889-TC-T. GRCh37 (hg19) VCF-style: chr21-34805196-TC-T.
Other names: c.936+19del (NM_001329128.2); c.879+19delC (NM_005534.3).
Identifiers: ClinVar variation 36377 (VCV000036377.14), dbSNP rs193922682, ClinGen allele CA214028.
Genomic context (GRCh38, chr21:33,432,889, plus strand): 5'-CTGGTTTCACACTCCACCAAGCATCCCATTACAGATAGAAGAGGTACGTGTGCACACATC[TC>T]TTTTTTTTTTTTTGAGACAGGGTCTTGCTCTGTTGCCCAGGCGGGAGTGTCATGGTACAA-3'

ClinVar aggregate classification (germline): Conflicting classifications of pathogenicity. Review status: criteria provided, conflicting classifications (1 of 4 stars). 4 submissions from 4 submitters: Uncertain significance (1); Benign (2); Likely benign (1). Last evaluated 2025-11-24.

Conditions:
Immunodeficiency 28 (IMD28). Also called: IFNGR2 DEFICIENCY. Identifiers: Orphanet 319547, Orphanet 319574, MedGen C4013947, MONDO:0013953, OMIM 614889.
Interferon gamma receptor deficiency (IFNGRD). Identifiers: MedGen C1112429.

Allele frequency attached by ClinVar (database versions not stated): TOPMed 0.00003; gnomAD 0.00064 and 0.00070; gnomAD exomes 0.04986 and 0.05967; ExAC 0.06045; ESP Exome Variant Server 0.35722.

Submissions (4):

Labcorp Genetics (formerly Invitae), Labcorp
Classification: Benign for Immunodeficiency 28. Last evaluated: 2025-11-24. Review status: criteria provided, single submitter. Criteria: Invitae Variant Classification Sherloc (09022015). Collection method: clinical testing. Allele origin: germline.

Blueprint Genetics
Classification: Likely benign. Last evaluated: 2024-11-28. Review status: criteria provided, single submitter. Criteria: ACMG Guidelines, 2015. Collection method: clinical testing. Allele origin: germline.

GeneDx
Classification: Benign. Last evaluated: 2021-06-19. Review status: criteria provided, single submitter. Criteria: GeneDx Variant Classification Process June 2021. Collection method: clinical testing. Allele origin: germline. Affected: yes.

Women's Health and Genetics/Laboratory Corporation of America, LabCorp
Classification: Uncertain significance for Interferon Gamma Receptor Deficiency. Last evaluated: 2011-08-18. Review status: criteria provided, single submitter. Criteria: LabCorp Variant Classification Summary - May 2015. Collection method: curation, clinical testing. Allele origin: germline. Inheritance: autosomal unknown. Affected: yes.
ClinVar note: Converted during submission from uncertain to Uncertain significance.